The following is an entry in ClinVar:

ClinVar aggregate classification (germline): Uncertain significance. Review status: criteria provided, multiple submitters, no conflicts (2 of 4 stars). 2 submissions from 2 submitters: Uncertain significance (2). Last evaluated 2026-01-31.

Allele frequency attached by ClinVar (database versions not stated): ExAC 0.00002; gnomAD exomes 0.00004.
gnomAD v4.1: 58 of 1,614,104 alleles (0.0036%); highest among the groups gnomAD compares: Non-Finnish European, 0.0047%; no homozygotes.

Submissions (2):

Labcorp Genetics (formerly Invitae), Labcorp
Classification: Uncertain significance. Last evaluated: 2026-01-31. Review status: criteria provided, single submitter. Criteria: Invitae Variant Classification Sherloc (09022015). Collection method: clinical testing. Allele origin: germline.
Comment: This sequence change replaces serine, which is neutral and polar, with cysteine, which is neutral and slightly polar, at codon 60 of the WNT1 protein (p.Ser60Cys). This variant is present in population databases (rs775138924, gnomAD 0.003%). This variant has not been reported in the literature in individuals affected with WNT1-related conditions. ClinVar contains an entry for this variant (Variation ID: 1929717). Invitae Evidence Modeling of protein sequence and biophysical properties (such as structural, functional, and spatial information, amino acid conservation, physicochemical variation, residue mobility, and thermodynamic stability) indicates that this missense variant is not expected to disrupt WNT1 protein function with a negative predictive value of 80%. In summary, the available evidence is currently insufficient to determine the role of this variant in disease. Therefore, it has been classified as a Variant of Uncertain Significance.

GeneDx
Classification: Uncertain significance. Last evaluated: 2025-05-13. Review status: criteria provided, single submitter. Criteria: GeneDx Variant Classification Process June 2021. Collection method: clinical testing. Allele origin: germline. Affected: yes.
Comment: Not observed at significant frequency in large population cohorts (gnomAD); In silico analysis suggests that this missense variant does not alter protein structure/function; Has not been previously published as pathogenic or benign to our knowledge

NM_005430.4(WNT1):c.178A>T (p.Ser60Cys)

Gene: WNT1 (Wnt family member 1; plus strand). Cytogenetic location: 12q13.12.
Variant type: single nucleotide variant.
Coding change: c.178A>T on transcript NM_005430.4 (MANE Select); coding-DNA position 178, A replaced by T.
Protein change: p.Ser60Cys; replaces serine 60 with cysteine.
Molecular consequence: missense variant.
Genome position (GRCh38, 1-based): chr12:48,979,541, A>T. VCF-style: chr12-48979541-A-T. GRCh37 (hg19) VCF-style: chr12-49373324-A-T.
Other names: c.178A>T (NM_005430.3); short protein forms S60C.
Identifiers: ClinVar variation 1929717 (VCV001929717.6), dbSNP rs775138924, ClinGen allele CA6544342.